The following is an entry in ClinVar:

NM_002473.6(MYH9):c.4113G>C (p.Lys1371Asn)

Gene: MYH9 (myosin heavy chain 9; minus strand). Cytogenetic location: 22q12.3.
Variant type: single nucleotide variant.
Coding change: c.4113G>C on transcript NM_002473.6 (MANE Select); coding-DNA position 4113, G replaced by C.
Protein change: p.Lys1371Asn; replaces lysine 1371 with asparagine.
Molecular consequence: missense variant.
Genome position (GRCh38, 1-based): chr22:36,292,217, C>G on the plus strand (G>C on the coding strand, the complement: MYH9 is on the minus strand). VCF-style: chr22-36292217-C-G. GRCh37 (hg19) VCF-style: chr22-36688263-C-G.
Other names: short protein forms K1371N.
Identifiers: ClinVar variation 4746160 (VCV004746160.1).

ClinVar aggregate classification (germline): Uncertain significance (1 of 4 stars; one submission).

gnomAD v4.1: 1 of 1,613,914 alleles (0.000062%); highest among the groups gnomAD compares: Admixed American, 0.0017%; no homozygotes.

Submission:

Labcorp Genetics (formerly Invitae), Labcorp
Classification: Uncertain significance. Last evaluated: 2026-02-01. Review status: criteria provided, single submitter. Criteria: Invitae Variant Classification Sherloc (09022015). Collection method: clinical testing. Allele origin: germline.
Comment: This sequence change replaces lysine, which is basic and polar, with asparagine, which is neutral and polar, at codon 1371 of the MYH9 protein (p.Lys1371Asn). This variant is not present in population databases (gnomAD no frequency). This variant has not been reported in the literature in individuals affected with MYH9-related conditions. Invitae Evidence Modeling of protein sequence and biophysical properties (such as structural, functional, and spatial information, amino acid conservation, physicochemical variation, residue mobility, and thermodynamic stability) indicates that this missense variant is not expected to disrupt MYH9 protein function with a negative predictive value of 95%. In summary, the available evidence is currently insufficient to determine the role of this variant in disease. Therefore, it has been classified as a Variant of Uncertain Significance.